The following is an entry in ClinVar:

NM_005245.4(FAT1):c.4517G>T (p.Arg1506Leu)

Gene: FAT1 (FAT atypical cadherin 1; minus strand). Cytogenetic location: 4q35.2.
Variant type: single nucleotide variant.
Coding change: c.4517G>T on transcript NM_005245.4 (MANE Select); coding-DNA position 4517, G replaced by T.
Protein change: p.Arg1506Leu; replaces arginine 1506 with leucine.
Molecular consequence: missense variant.
Genome position (GRCh38, 1-based): chr4:186,628,570, C>A on the plus strand (G>T on the coding strand, the complement: FAT1 is on the minus strand). VCF-style: chr4-186628570-C-A. GRCh37 (hg19) VCF-style: chr4-187549724-C-A.
Other names: c.4517G>T, p.Arg1506Leu (NM_001440455.1, NM_001440456.1, NM_001440457.1); short protein forms R1506L.
Identifiers: ClinVar variation 4775139 (VCV004775139.1).

ClinVar aggregate classification (germline): Uncertain significance (1 of 4 stars; one submission).

gnomAD v4.1: 2 of 1,613,950 alleles (0.00012%); highest among the groups gnomAD compares: South Asian, 0.0022%; no homozygotes.

Submission:

Labcorp Genetics (formerly Invitae), Labcorp
Classification: Uncertain significance. Last evaluated: 2026-01-29. Review status: criteria provided, single submitter. Criteria: Invitae Variant Classification Sherloc (09022015). Collection method: clinical testing. Allele origin: germline.
Comment: This sequence change replaces arginine, which is basic and polar, with leucine, which is neutral and non-polar, at codon 1506 of the FAT1 protein (p.Arg1506Leu). This variant is present in population databases (rs570583897, gnomAD 0.003%). This variant has not been reported in the literature in individuals affected with FAT1-related conditions. Invitae Evidence Modeling of protein sequence and biophysical properties (such as structural, functional, and spatial information, amino acid conservation, physicochemical variation, residue mobility, and thermodynamic stability) indicates that this missense variant is not expected to disrupt FAT1 protein function with a negative predictive value of 80%. In summary, the available evidence is currently insufficient to determine the role of this variant in disease. Therefore, it has been classified as a Variant of Uncertain Significance.